The following is an entry in ClinVar:

ClinVar aggregate classification (germline): Uncertain significance (1 of 4 stars; one submission).

Submission:

GeneDx
Classification: Uncertain significance. Last evaluated: 2026-03-05. Review status: criteria provided, single submitter. Criteria: GeneDx Variant Classification Process June 2021. Collection method: clinical testing. Allele origin: germline.
Comment: Not observed at significant frequency in large population cohorts (gnomAD); In silico analysis supports that this missense variant has a deleterious effect on protein structure/function; Has not been previously published as pathogenic or benign to our knowledge

NM_007118.4(TRIO):c.1359G>T (p.Lys453Asn)

Gene: TRIO (trio Rho guanine nucleotide exchange factor; plus strand). Cytogenetic location: 5p15.2.
Variant type: single nucleotide variant.
Coding change: c.1359G>T on transcript NM_007118.4 (MANE Select); coding-DNA position 1359, G replaced by T.
Protein change: p.Lys453Asn; replaces lysine 453 with asparagine.
Molecular consequence: missense variant. On other transcripts: non-coding transcript variant (1).
Genome position (GRCh38, 1-based): chr5:14,297,254, G>T. VCF-style: chr5-14297254-G-T. GRCh37 (hg19) VCF-style: chr5-14297363-G-T.
Other names: short protein forms K453N.
Identifiers: ClinVar variation 5007993 (VCV005007993.1).